The following is an entry in ClinVar:

NM_031418.4(ANO3):c.702C>A (p.Cys234Ter)

Gene: ANO3 (anoctamin 3; plus strand). Cytogenetic location: 11p14.2.
Variant type: single nucleotide variant.
Coding change: c.702C>A on transcript NM_031418.4 (MANE Select); coding-DNA position 702, C replaced by A.
Protein change: p.Cys234Ter; replaces cysteine 234 with a stop codon.
Molecular consequence: nonsense.
Genome position (GRCh38, 1-based): chr11:26,525,644, C>A. VCF-style: chr11-26525644-C-A. GRCh37 (hg19) VCF-style: chr11-26547191-C-A.
Other names: c.885C>A, p.Cys295Ter (NM_001313726.2); c.264C>A, p.Cys88Ter (NM_001313727.2); short protein forms C234*, C295*, C88*.
Identifiers: ClinVar variation 1696661 (VCV001696661.1), dbSNP rs886037882, ClinGen allele CA379929287.

ClinVar aggregate classification (germline): Uncertain significance (1 of 4 stars; one submission).

Conditions:
Dystonia 24 (DYT24). Also called: DYT-ANO3. Identifiers: Orphanet 420485, MedGen C3554374, MONDO:0014019, OMIM 615034.

Submission:

New York Genome Center
Classification: Uncertain significance for Dystonia 24. Last evaluated: 2021-08-25. Review status: criteria provided, single submitter. Criteria: NYGC Assertion Criteria 2020. Collection method: clinical testing. Allele origin: germline. Observed: 1 heterozygote. Study: CSER-NYCKidSeq.
Comment: The c.702C>A, p.Cys234Ter nonsense variant identified in the ANO3 gene has not been reported in the literature. This variant is absent from in the gnomAD v3.1.1 database suggesting it is not a common benign variant in the populations represented in this database. This variant creates a premature translational stop signal atexon 15 of 22 and is expected to result in an absent or disrupted protein product. However, the current clinical and genetic evidence is not sufficient to establish whether loss-of-function variants in ANO3 cause disease. Based on the available evidence, the nonsense variant c.702C>A, p.Cys234Ter in the ANO3 gene is classified as a Variant of Uncertain Significance.